The following is an entry in ClinVar:

NM_000043.6(FAS):c.554C>T (p.Pro185Leu)

Gene: FAS (Fas cell surface death receptor; plus strand). Cytogenetic location: 10q23.31.
Variant type: single nucleotide variant.
Coding change: c.554C>T on transcript NM_000043.6 (MANE Select); coding-DNA position 554, C replaced by T.
Protein change: p.Pro185Leu; replaces proline 185 with leucine.
Molecular consequence: missense variant. On other transcripts: non-coding transcript variant (5), intron variant (1).
Genome position (GRCh38, 1-based): chr10:89,010,801, C>T. VCF-style: chr10-89010801-C-T. GRCh37 (hg19) VCF-style: chr10-90770558-C-T.
Other names: c.554C>T, p.Pro185Leu (NM_001320619.2, NM_152872.4); c.599C>T, p.Pro200Leu (NM_001410956.1); c.505+201C>T (NM_152871.4); short protein forms P185L, P200L.
Identifiers: ClinVar variation 3013406 (VCV003013406.3), dbSNP rs2495162686, ClinGen allele CA377509162.

ClinVar aggregate classification (germline): Uncertain significance (1 of 4 stars; one submission).

Conditions:
Autoimmune lymphoproliferative syndrome type 1. Also called: AUTOIMMUNE LYMPHOPROLIFERATIVE SYNDROME, TYPE I, AUTOSOMAL DOMINANT. Identifiers: Orphanet 3261, MedGen C2717884, MONDO:0011158, OMIM 601859.

Submission:

Labcorp Genetics (formerly Invitae), Labcorp
Classification: Uncertain significance for Autoimmune lymphoproliferative syndrome. Last evaluated: 2023-04-28. Review status: criteria provided, single submitter. Criteria: Invitae Variant Classification Sherloc (09022015). Collection method: clinical testing. Allele origin: germline.
Comment: This sequence change replaces proline, which is neutral and non-polar, with leucine, which is neutral and non-polar, at codon 185 of the FAS protein (p.Pro185Leu). This variant is not present in population databases (gnomAD no frequency). This variant has not been reported in the literature in individuals affected with FAS-related conditions. Advanced modeling of protein sequence and biophysical properties (such as structural, functional, and spatial information, amino acid conservation, physicochemical variation, residue mobility, and thermodynamic stability) performed at Invitae indicates that this missense variant is not expected to disrupt FAS protein function. In summary, the available evidence is currently insufficient to determine the role of this variant in disease. Therefore, it has been classified as a Variant of Uncertain Significance.